The following is an entry in ClinVar:

ClinVar aggregate classification (germline): Likely benign. Review status: criteria provided, multiple submitters, no conflicts (2 of 4 stars). 6 submissions from 6 submitters: Likely benign (4). 2 of the submissions do not count toward it. Last evaluated 2026-01-27.

Allele frequency attached by ClinVar (database versions not stated): TOPMed 0.00058; ExAC 0.00064; gnomAD exomes 0.00067; gnomAD 0.00081 and 0.00086; ESP Exome Variant Server 0.00092.

Submissions (6):

Labcorp Genetics (formerly Invitae), Labcorp
Classification: Likely benign. Last evaluated: 2026-01-27. Review status: criteria provided, single submitter. Criteria: Invitae Variant Classification Sherloc (09022015). Collection method: clinical testing. Allele origin: germline.

CeGaT Center for Human Genetics Tuebingen
Classification: Likely benign. Last evaluated: 2025-10-01. Review status: criteria provided, single submitter. Criteria: CeGaT Center For Human Genetics Tuebingen Variant Classification Criteria Version 2. Collection method: clinical testing. Allele origin: germline. Affected: yes. Observed: 5 variant alleles.
Comment: CD81: BP4, BP7

Mayo Clinic Laboratories, Mayo Clinic
Classification: Likely benign. Last evaluated: 2025-08-26. Review status: criteria provided, single submitter. Criteria: ACMG Guidelines, 2015. Collection method: clinical testing. Allele origin: germline. Observed: 1 variant allele.
Comment: BP4, BP7

Blueprint Genetics
Classification: Likely benign. Last evaluated: 2024-11-18. Review status: criteria provided, single submitter. Criteria: ACMG Guidelines, 2015. Collection method: clinical testing. Allele origin: germline.

Clinical Genetics DNA and cytogenetics Diagnostics Lab, Erasmus MC, Erasmus Medical Center
Classification: Likely benign. Review status: no assertion criteria provided. Collection method: clinical testing. Allele origin: germline. Affected: yes. Study: VKGL Data-share Consensus. Not counted in ClinVar's aggregate classification.

Genome Diagnostics Laboratory, University Medical Center Utrecht
Classification: Likely benign. Review status: no assertion criteria provided. Collection method: clinical testing. Allele origin: germline. Affected: yes. Study: VKGL Data-share Consensus. Not counted in ClinVar's aggregate classification.

NM_004356.4(CD81):c.654C>T (p.Phe218=)

Gene: CD81 (CD81 molecule; plus strand). Cytogenetic location: 11p15.5.
Variant type: single nucleotide variant.
Coding change: c.654C>T on transcript NM_004356.4 (MANE Select); coding-DNA position 654, C replaced by T.
Protein change: p.Phe218=; no amino-acid change (phenylalanine 218 retained).
Molecular consequence: synonymous variant.
Genome position (GRCh38, 1-based): chr11:2,396,809, C>T. VCF-style: chr11-2396809-C-T. GRCh37 (hg19) VCF-style: chr11-2418039-C-T.
Other names: p.Phe218=; c.441C>T, p.Phe147= (NM_001297649.2).
Identifiers: ClinVar variation 782954 (VCV000782954.33), dbSNP rs139978456, ClinGen allele CA5820157.
Genomic context (GRCh38, chr11:2,396,809, plus strand): 5'-GCTGCCCCTTCCGCGGGGCCTTGTGCTGACTGCGCCCCCCACCACCCTCCTGCAGATCTT[C>T]GAGATGATCCTGAGCATGGTGCTGTGCTGTGGCATCCGGAACAGCTCCGTGTACTGAGGC-3'
Protein context (NP_004347.1, residues 208-228): AAIVVAVIMI[Phe218=]EMILSMVLCC